The following is an entry in ClinVar:

NM_182961.4(SYNE1):c.11344G>A (p.Glu3782Lys)

Gene: SYNE1 (spectrin repeat containing nuclear envelope protein 1; minus strand). Cytogenetic location: 6q25.2.
Variant type: single nucleotide variant.
Coding change: c.11344G>A on transcript NM_182961.4 (MANE Select); coding-DNA position 11344, G replaced by A.
Protein change: p.Glu3782Lys; replaces glutamic acid 3782 with lysine.
Molecular consequence: missense variant.
Genome position (GRCh38, 1-based): chr6:152,352,263, C>T on the plus strand (G>A on the coding strand, the complement: SYNE1 is on the minus strand). VCF-style: chr6-152352263-C-T. GRCh37 (hg19) VCF-style: chr6-152673398-C-T.
Other names: c.11299G>A, p.Glu3767Lys (NM_033071.5); short protein forms E3767K, E3782K.
Identifiers: ClinVar variation 2421727 (VCV002421727.3), dbSNP rs772432833, ClinGen allele CA4056708.

ClinVar aggregate classification (germline): Uncertain significance (1 of 4 stars; one submission).

Conditions:
Autosomal recessive ataxia, Beauce type. Also called: Spinocerebellar ataxia, autosomal recessive 8; ATAXIA, RECESSIVE, OF BEAUCE; SYNE1-Related Autosomal Recessive Cerebellar Ataxia; SYNE1 Deficiency. Identifiers: Orphanet 88644, MedGen C1853116, MONDO:0012549, OMIM 610743.
Emery-Dreifuss muscular dystrophy 4, autosomal dominant (EDMD4). Also called: EMERY-DREIFUSS MUSCULAR DYSTROPHY 4 WITH VARIABLE FEATURES. Identifiers: Orphanet 261, MedGen C2751807, MONDO:0013071, OMIM 612998.

Allele frequency attached by ClinVar (database versions not stated): gnomAD exomes below 0.00001; gnomAD 0.00001; TOPMed 0.00001; ExAC 0.00002.
gnomAD v4.1: 6 of 1,614,044 alleles (0.00037%); highest among the groups gnomAD compares: East Asian, 0.0022%; no homozygotes.

Submission:

Labcorp Genetics (formerly Invitae), Labcorp
Classification: Uncertain significance for Emery-Dreifuss muscular dystrophy 4, autosomal dominant; Autosomal recessive ataxia, Beauce type. Last evaluated: 2022-07-25. Review status: criteria provided, single submitter. Criteria: Invitae Variant Classification Sherloc (09022015). Collection method: clinical testing. Allele origin: germline.
Comment: This sequence change replaces glutamic acid, which is acidic and polar, with lysine, which is basic and polar, at codon 3767 of the SYNE1 protein (p.Glu3767Lys). This variant is present in population databases (rs772432833, gnomAD 0.007%). This variant has not been reported in the literature in individuals affected with SYNE1-related conditions. Algorithms developed to predict the effect of missense changes on protein structure and function are either unavailable or do not agree on the potential impact of this missense change (SIFT: "Deleterious"; PolyPhen-2: "Benign"; Align-GVGD: "Class C15"). In summary, the available evidence is currently insufficient to determine the role of this variant in disease. Therefore, it has been classified as a Variant of Uncertain Significance.